The following is an entry in ClinVar:

NM_001277115.2(DNAH11):c.8709del (p.Lys2904fs)

Gene: DNAH11 (dynein axonemal heavy chain 11; plus strand). Cytogenetic location: 7p15.3.
Variant type: Deletion.
Coding change: c.8709del on transcript NM_001277115.2 (MANE Select); coding-DNA position 8709, one base deleted (C; older notation c.8709delC).
Protein change: p.Lys2904fs; shifts the reading frame from lysine 2904.
Molecular consequence: frameshift variant.
Genome position (GRCh38, 1-based): chr7:21,749,713, C deleted; the last of 2 consecutive C bases (chr7:21,749,712-21,749,713); deleting either gives the same sequence. VCF-style (leftmost placement, unchanged base first): chr7-21749711-GC-G. GRCh37 (hg19) VCF-style: chr7-21789329-GC-G.
Other names: short protein forms K2904fs.
Identifiers: ClinVar variation 1363554 (VCV001363554.6), dbSNP rs2128492914, ClinGen allele CA2573142023.

ClinVar aggregate classification (germline): Pathogenic (1 of 4 stars; one submission).

Conditions:
Primary ciliary dyskinesia. Also called: Ciliary dyskinesia. Identifiers: Orphanet 244, MedGen C0008780, MONDO:0016575, HP:0012265.

Submission:

Labcorp Genetics (formerly Invitae), Labcorp
Classification: Pathogenic for Primary ciliary dyskinesia. Last evaluated: 2021-03-09. Review status: criteria provided, single submitter. Criteria: Invitae Variant Classification Sherloc (09022015). Collection method: clinical testing. Allele origin: germline.
Comment: This sequence change creates a premature translational stop signal (p.Lys2904Argfs*9) in the DNAH11 gene. It is expected to result in an absent or disrupted protein product. Loss-of-function variants in DNAH11 are known to be pathogenic (PMID: 18022865, 20513915, 22184204). This variant is not present in population databases (ExAC no frequency). This variant has not been reported in the literature in individuals with DNAH11-related conditions. For these reasons, this variant has been classified as Pathogenic.

Literature cited by the submitters: PubMed 18022865; PubMed 20513915; PubMed 22184204.